The following is an entry in ClinVar:

ClinVar aggregate classification (germline): Uncertain significance (1 of 4 stars; one submission).

Submission:

Labcorp Genetics (formerly Invitae), Labcorp
Classification: Uncertain significance. Last evaluated: 2021-11-02. Review status: criteria provided, single submitter. Criteria: Invitae Variant Classification Sherloc (09022015). Collection method: clinical testing. Allele origin: germline.
Comment: This sequence change replaces asparagine, which is neutral and polar, with lysine, which is basic and polar, at codon 194 of the C1QA protein (p.Asn194Lys). This variant is not present in population databases (gnomAD no frequency). This variant has not been reported in the literature in individuals affected with C1QA-related conditions. Algorithms developed to predict the effect of missense changes on protein structure and function (SIFT, PolyPhen-2, Align-GVGD) all suggest that this variant is likely to be tolerated. In summary, the available evidence is currently insufficient to determine the role of this variant in disease. Therefore, it has been classified as a Variant of Uncertain Significance.

NM_015991.4(C1QA):c.582C>G (p.Asn194Lys)

Gene: C1QA (complement C1q A chain; plus strand). Cytogenetic location: 1p36.12.
Variant type: single nucleotide variant.
Coding change: c.582C>G on transcript NM_015991.4 (MANE Select); coding-DNA position 582, C replaced by G.
Protein change: p.Asn194Lys; replaces asparagine 194 with lysine.
Molecular consequence: missense variant.
Genome position (GRCh38, 1-based): chr1:22,639,251, C>G. VCF-style: chr1-22639251-C-G. GRCh37 (hg19) VCF-style: chr1-22965744-C-G.
Other names: c.582C>G, p.Asn194Lys (NM_001347465.2, NM_001347466.2); short protein forms N194K.
Identifiers: ClinVar variation 1501139 (VCV001501139.3), dbSNP rs367674617, ClinGen allele CA338930618.